The following is an entry in ClinVar:

ClinVar aggregate classification (germline): Likely benign. Review status: criteria provided, single submitter (1 of 4 stars). 2 submissions from 2 submitters: Likely benign (1). 1 of the submissions does not count toward it. Last evaluated 2025-05-09.

Conditions:
MAPKBP1-related disorder. Also called: MAPKBP1-related condition.

Allele frequency attached by ClinVar (database versions not stated): gnomAD 0.00009 and 0.00010; gnomAD exomes 0.00010 and 0.00015; TOPMed 0.00010; ExAC 0.00012.
gnomAD v4.1: 171 of 1,609,602 alleles (0.011%); highest among the groups gnomAD compares: Middle Eastern, 0.066%; no homozygotes.

Submissions (2):

Labcorp Genetics (formerly Invitae), Labcorp
Classification: Likely benign. Last evaluated: 2025-05-09. Review status: criteria provided, single submitter. Criteria: Invitae Variant Classification Sherloc (09022015). Collection method: clinical testing. Allele origin: germline.

PreventionGenetics, part of Exact Sciences
Classification: Likely benign for MAPKBP1-related condition. Last evaluated: 2022-09-04. Review status: no assertion criteria provided. Collection method: clinical testing. Allele origin: germline. Not counted in ClinVar's aggregate classification.
Comment: This variant is classified as likely benign based on ACMG/AMP sequence variant interpretation guidelines (Richards et al. 2015 PMID: 25741868, with internal and published modifications).

NM_014994.3(MAPKBP1):c.4508G>A (p.Arg1503His)

Gene: MAPKBP1 (mitogen-activated protein kinase binding protein 1; plus strand). Cytogenetic location: 15q15.1.
Variant type: single nucleotide variant.
Coding change: c.4508G>A on transcript NM_014994.3 (MANE Select); coding-DNA position 4508, G replaced by A.
Protein change: p.Arg1503His; replaces arginine 1503 with histidine.
Molecular consequence: missense variant. On other transcripts: non-coding transcript variant (2).
Genome position (GRCh38, 1-based): chr15:41,825,417, G>A. VCF-style: chr15-41825417-G-A. GRCh37 (hg19) VCF-style: chr15-42117615-G-A.
Other names: c.4526G>A, p.Arg1509His (NM_001128608.2); c.3677G>A, p.Arg1226His (NM_001265611.2); short protein forms R1226H, R1503H, R1509H.
Identifiers: ClinVar variation 757412 (VCV000757412.9), dbSNP rs201217977, ClinGen allele CA7498841.